The following is an entry in ClinVar:

ClinVar aggregate classification (germline): Likely pathogenic (1 of 4 stars; one submission).

Submission:

GeneDx
Classification: Likely pathogenic. Last evaluated: 2016-02-04. Review status: criteria provided, single submitter. Criteria: GeneDx Variant Classification (06012015). Collection method: clinical testing. Allele origin: germline. Affected: yes.
Comment: The c.49+2T>A variant in the KMT2D gene has not been reported previously as a pathogenic variant nor as a benign variant, to our knowledge. This splice site variant destroys the canonical splice donor site in intron 1. It is predicted to cause abnormal gene splicing, either leading to an abnormal message that is subject to nonsense-mediated mRNA decay, or to an abnormal protein product if the message is used for protein translation. The c.49+2T>A variant was not observed in approximately 6000 individuals of European and African American ancestry in the NHLBI Exome Sequencing Project, indicating it is not a common benign variant in these populations.The c.49+2T>A variant is a strong candidate for a pathogenic variant

NM_003482.4(KMT2D):c.49+2T>A

Gene: KMT2D (lysine methyltransferase 2D; minus strand). Cytogenetic location: 12q13.12.
Variant type: single nucleotide variant.
Coding change: c.49+2T>A on transcript NM_003482.4 (MANE Select); the canonical splice donor site of the intron after coding-DNA position 49, T replaced by A.
Molecular consequence: splice donor variant.
Genome position (GRCh38, 1-based): chr12:49,055,274, A>T on the plus strand (T>A on the coding strand, the complement: KMT2D is on the minus strand). VCF-style: chr12-49055274-A-T. GRCh37 (hg19) VCF-style: chr12-49449057-A-T.
Identifiers: ClinVar variation 430322 (VCV000430322.2), dbSNP rs767591619, ClinGen allele CA384691171.